The following is an entry in ClinVar:

NM_000458.4(HNF1B):c.1640C>T (p.Ser547Phe)

Gene: HNF1B (HNF1 homeobox B; minus strand). Cytogenetic location: 17q12.
Variant type: single nucleotide variant.
Coding change: c.1640C>T on transcript NM_000458.4 (MANE Select); coding-DNA position 1640, C replaced by T.
Protein change: p.Ser547Phe; replaces serine 547 with phenylalanine.
Molecular consequence: missense variant. On other transcripts: intron variant (1).
Genome position (GRCh38, 1-based): chr17:37,699,089, G>A on the plus strand (C>T on the coding strand, the complement: HNF1B is on the minus strand). VCF-style: chr17-37699089-G-A. GRCh37 (hg19) VCF-style: chr17-36059095-G-A.
Other names: c.1562C>T, p.Ser521Phe (NM_001165923.4); c.1261+5828C>T (NM_001304286.2); short protein forms S547F, S521F.
Identifiers: ClinVar variation 635575 (VCV000635575.1), dbSNP rs768867418, ClinGen allele CA8518784.

ClinVar aggregate classification (germline): Likely pathogenic (1 of 4 stars; one submission).

Conditions:
Renal cysts and diabetes syndrome (RCAD). Also called: Familial hypoplastic, glomerulocystic kidney; MATURITY-ONSET DIABETES OF THE YOUNG, TYPE 5. Identifiers: Orphanet 93111, MedGen C0431693, MONDO:0007669, OMIM 137920.

Allele frequency attached by ClinVar (database versions not stated): ExAC 0.00001; gnomAD 0.00001; gnomAD exomes 0.00001.
gnomAD v4.1: 5 of 1,612,610 alleles (0.00031%); highest among the groups gnomAD compares: Non-Finnish European, 0.00042%; no homozygotes.

Submission:

Institute of Human Genetics, FAU Erlangen, Friedrich-Alexander-Universität Erlangen-Nürnberg
Classification: Likely pathogenic for Renal cysts and diabetes syndrome. Last evaluated: 2019-07-06. Review status: criteria provided, single submitter. Criteria: ACMG Guidelines, 2015. Collection method: literature only. Allele origin: germline. Affected: yes.
Comment: This variant and it's classification has been reported by Vasileiou et al. 2019; DOI:10.1101/576918. The variants has previously been reported in PMID:25500806 as "E8: c.1640C>T (p.Ser547Phe) (INH) " with clinical significance Pathogenic. It has been re-classified using InterVar and manual curation as Likely pathogenic based on PM1 PM2 PP3 PP5.

Literature cited by the submitters: PubMed 25500806; DOI 10.1101/576918.